The following is an entry in ClinVar:

ClinVar aggregate classification (germline): Uncertain significance (1 of 4 stars; one submission).

Conditions:
Aortic aneurysm, familial thoracic 7 (AAT7). Also called: AORTIC DISSECTION, FAMILIAL, WITH OR WITHOUT AORTIC ANEURYSM. Identifiers: MedGen C3151077, MONDO:0013418, OMIM 613780.

Allele frequency attached by ClinVar (database versions not stated): gnomAD exomes below 0.00001; gnomAD 0.00001.
gnomAD v4.1: 2 of 1,614,026 alleles (0.00012%); highest among the groups gnomAD compares: Non-Finnish European, 0.00017%; no homozygotes.

Submission:

Labcorp Genetics (formerly Invitae), Labcorp
Classification: Uncertain significance for Aortic aneurysm, familial thoracic 7. Last evaluated: 2026-02-01. Review status: criteria provided, single submitter. Criteria: Invitae Variant Classification Sherloc (09022015). Collection method: clinical testing. Allele origin: germline.
Comment: This sequence change replaces serine, which is neutral and polar, with phenylalanine, which is neutral and non-polar, at codon 497 of the MYLK protein (p.Ser497Phe). This variant is present in population databases (no rsID available, gnomAD 0.007%). This missense change has been observed in individual(s) with sudden infant death syndrome (PMID: 28074886). ClinVar contains an entry for this variant (Variation ID: 1508450). Invitae Evidence Modeling of protein sequence and biophysical properties (such as structural, functional, and spatial information, amino acid conservation, physicochemical variation, residue mobility, and thermodynamic stability) indicates that this missense variant is not expected to disrupt MYLK protein function with a negative predictive value of 95%. In summary, the available evidence is currently insufficient to determine the role of this variant in disease. Therefore, it has been classified as a Variant of Uncertain Significance.

Literature cited by the submitters: PubMed 28074886.

NM_053025.4(MYLK):c.1490C>T (p.Ser497Phe)

Gene: MYLK (myosin light chain kinase; minus strand). Cytogenetic location: 3q21.1.
Variant type: single nucleotide variant.
Coding change: c.1490C>T on transcript NM_053025.4 (MANE Select); coding-DNA position 1490, C replaced by T.
Protein change: p.Ser497Phe; replaces serine 497 with phenylalanine.
Molecular consequence: missense variant. On other transcripts: intron variant (2).
Genome position (GRCh38, 1-based): chr3:123,732,922, G>A on the plus strand (C>T on the coding strand, the complement: MYLK is on the minus strand). VCF-style: chr3-123732922-G-A. GRCh37 (hg19) VCF-style: chr3-123451769-G-A.
Other names: c.962C>T, p.Ser321Phe (NM_001321309.2); c.1490C>T, p.Ser497Phe (NM_053027.4); c.1309+765C>T (NM_053028.4, NM_053026.4); short protein forms S497F, S321F.
Identifiers: ClinVar variation 1508450 (VCV001508450.8), dbSNP rs1052053253, ClinGen allele CA82942539.